The following is an entry in ClinVar:

ClinVar aggregate classification (germline): Benign/Likely benign. Review status: criteria provided, single submitter (1 of 4 stars). 4 submissions from 1 submitter: Benign (3); Likely benign (1). Last evaluated 2018-01-13.

Conditions:
Jervell and Lange-Nielsen syndrome 1 (JLNS1). Also called: CARDIOAUDITORY SYNDROME OF JERVELL AND LANGE-NIELSEN; DEAFNESS, CONGENITAL, AND FUNCTIONAL HEART DISEASE; PROLONGED QT INTERVAL IN EKG AND SUDDEN DEATH; SURDO-CARDIAC SYNDROME. Identifiers: Orphanet 768, Orphanet 90647, MedGen C4551509, MONDO:0024540, OMIM 220400.
Short QT syndrome type 2. Identifiers: Orphanet 51083, MedGen C1865019, MONDO:0012313, OMIM 609621.
Atrial fibrillation, familial, 3 (ATFB3). Identifiers: MedGen C1837014, MONDO:0011857, OMIM 607554.
Long QT syndrome 1 (LQT1). Identifiers: Orphanet 101016, Orphanet 768, MedGen C4551647, MONDO:0100316, OMIM 192500, MONDO:0008646.

Allele frequency attached by ClinVar (database versions not stated): ExAC 0.00087; gnomAD 0.00133 and 0.00137; gnomAD exomes 0.00237 and 0.00690; 1000 Genomes Project 0.00260; TOPMed 0.00310; 1000 Genomes Project 30x 0.00344.
gnomAD v4.1: 1,296 of 621,918 alleles (0.21%); highest among the groups gnomAD compares: Admixed American, 2.6%; 36 homozygotes.

Submissions (4):

Illumina Laboratory Services, Illumina
Classification: Benign for Jervell and Lange-Nielsen syndrome 1. Last evaluated: 2018-01-13. Review status: criteria provided, single submitter. Criteria: ICSL Variant Classification Criteria 13 December 2019. Collection method: clinical testing. Allele origin: germline.
Comment: This variant was observed in the ICSL laboratory as part of a predisposition screen in an ostensibly healthy population. It had not been previously curated by ICSL or reported in the Human Gene Mutation Database (HGMD: prior to June 1st, 2018), and was therefore a candidate for classification through an automated scoring system. Utilizing variant allele frequency, disease prevalence and penetrance estimates, and inheritance mode, an automated score was calculated to assess if this variant is too frequent to cause the disease. Based on the score and internal cut-off values, a variant classified as benign is not then subjected to further curation. The score for this variant resulted in a classification of benign for this disease.

Illumina Laboratory Services, Illumina
Classification: Likely benign for Atrial fibrillation, familial, 3. Last evaluated: 2018-01-13. Review status: criteria provided, single submitter. Criteria: ICSL Variant Classification Criteria 13 December 2019. Collection method: clinical testing. Allele origin: germline.
Comment: This variant was observed in the ICSL laboratory as part of a predisposition screen in an ostensibly healthy population. It had not been previously curated by ICSL or reported in the Human Gene Mutation Database (HGMD: prior to June 1st, 2018), and was therefore a candidate for classification through an automated scoring system. Utilizing variant allele frequency, disease prevalence and penetrance estimates, and inheritance mode, an automated score was calculated to assess if this variant is too frequent to cause the disease. Based on the score and internal cut-off values, a variant classified as likely benign is not then subjected to further curation. The score for this variant resulted in a classification of likely benign for this disease.

Illumina Laboratory Services, Illumina
Classification: Benign for Long QT syndrome 1. Last evaluated: 2018-01-13. Review status: criteria provided, single submitter. Criteria: ICSL Variant Classification Criteria 13 December 2019. Collection method: clinical testing. Allele origin: germline.
Comment: the same text as in the submission from Illumina Laboratory Services, Illumina above.

Illumina Laboratory Services, Illumina
Classification: Benign for Short QT syndrome type 2. Last evaluated: 2018-01-13. Review status: criteria provided, single submitter. Criteria: ICSL Variant Classification Criteria 13 December 2019. Collection method: clinical testing. Allele origin: germline.
Comment: the same text as in the submission from Illumina Laboratory Services, Illumina above.

NM_000218.3(KCNQ1):c.*305A>C

Genes: KCNQ1 (potassium voltage-gated channel subfamily Q member 1; plus strand), KCNQ1-AS1 (KCNQ1 antisense RNA 1; minus strand). Cytogenetic location: 11p15.4.
Variant type: single nucleotide variant.
Coding change: c.*305A>C on transcript NM_000218.3 (MANE Select); 305 bases downstream of the stop codon, A replaced by C.
Molecular consequence: 3 prime UTR variant.
Genome position (GRCh38, 1-based): chr11:2,848,308, A>C. VCF-style: chr11-2848308-A-C. GRCh37 (hg19) VCF-style: chr11-2869538-A-C.
Other names: c.*305A>C (NM_001406836.1, NM_001406837.1, NM_001406838.1 and 2 more transcripts).
Identifiers: ClinVar variation 304241 (VCV000304241.8), dbSNP rs45570140, ClinGen allele CA034963.